The following is an entry in ClinVar:

ClinVar aggregate classification (germline): Pathogenic (1 of 4 stars; one submission).

Conditions:
Hereditary breast ovarian cancer syndrome. Also called: Hereditary breast and ovarian cancer syndrome; BRCA1- and BRCA2-Associated Hereditary Breast and Ovarian Cancer; Hereditary breast and ovarian cancer; Hereditary breast and/or ovarian cancer syndrome; Hereditary breast and ovarian cancer syndrome (HBOC); Breast and ovarian cancer. Identifiers: Orphanet 145, MedGen C0677776, MeSH D061325, MONDO:0003582. Disease mechanism: loss of function.

Submission:

Labcorp Genetics (formerly Invitae), Labcorp
Classification: Pathogenic for Hereditary breast ovarian cancer syndrome. Last evaluated: 2023-08-07. Review status: criteria provided, single submitter. Criteria: Invitae Variant Classification Sherloc (09022015). Collection method: clinical testing. Allele origin: germline.
Comment: This sequence change creates a premature translational stop signal (p.Leu1620*) in the BRCA2 gene. It is expected to result in an absent or disrupted protein product. Loss-of-function variants in BRCA2 are known to be pathogenic (PMID: 20104584). This variant is not present in population databases (gnomAD no frequency). This variant has not been reported in the literature in individuals affected with BRCA2-related conditions. ClinVar contains an entry for this variant (Variation ID: 2107228). For these reasons, this variant has been classified as Pathogenic.

Literature cited by the submitters: PubMed 20104584.

NM_000059.4(BRCA2):c.4857_4870del (p.Asn1619_Leu1620insTer)

Gene: BRCA2 (BRCA2 DNA repair associated; plus strand). Cytogenetic location: 13q13.1.
Variant type: Deletion.
Coding change: c.4857_4870del on transcript NM_000059.4 (MANE Select); coding-DNA positions 4857 to 4870, 14 bases deleted (TTTATGTAGACAAA).
Protein change: p.Asn1619_Leu1620insTer.
Molecular consequence: frameshift variant. On other transcripts: nonsense (2).
Genome position (GRCh38, 1-based): chr13:32,339,212-32,339,225, TTTATGTAGACAAA deleted; deleting any 14 consecutive bases within chr13:32,339,210-32,339,225 gives the same sequence; the c. name uses the placement nearest the transcript's 3' end. VCF-style (leftmost placement, unchanged base first): chr13-32339209-TAATTTATGTAGACA-T. GRCh37 (hg19) VCF-style: chr13-32913346-TAATTTATGTAGACA-T.
Other names: c.4857_4870delTTTATGTAGACAAA, p.Leu1620Terfs (NM_001406719.1, NM_001406720.1).
Identifiers: ClinVar variation 2107228 (VCV002107228.4), dbSNP rs2548529452, ClinGen allele CA2580087315.